The following is an entry in ClinVar:

NM_001372044.2(SHANK3):c.3039C>T (p.Ser1013=)

Gene: SHANK3 (SH3 and multiple ankyrin repeat domains 3; plus strand). Cytogenetic location: 22q13.33.
Variant type: single nucleotide variant.
Coding change: c.3039C>T on transcript NM_001372044.2 (MANE Select); coding-DNA position 3039, C replaced by T.
Protein change: p.Ser1013=; no amino-acid change (serine 1013 retained).
Molecular consequence: synonymous variant.
Genome position (GRCh38, 1-based): chr22:50,720,647, C>T. VCF-style: chr22-50720647-C-T. GRCh37 (hg19) VCF-style: chr22-51159075-C-T.
Identifiers: ClinVar variation 4083901 (VCV004083901.8).
Genomic context (GRCh38, chr22:50,720,647, plus strand): 5'-CAAGCGCCGGCCGCGGCCGCCCGGCCCCGACAGCCCCTACGCCAACCTGGGCGCCTTCAG[C>T]GCCAGCCTCTTCGCTCCGTCCAAGCCGCAGCGCCGCAAGAGCCCCCTGGTGAAGCAGCTG-3'
Protein context (NP_001358973.1, residues 1003-1023): DSPYANLGAF[Ser1013=]ASLFAPSKPQ

ClinVar aggregate classification (germline): Likely benign (1 of 4 stars; one submission).

Submission:

CeGaT Center for Human Genetics Tuebingen
Classification: Likely benign. Last evaluated: 2025-06-01. Review status: criteria provided, single submitter. Criteria: CeGaT Center For Human Genetics Tuebingen Variant Classification Criteria Version 2. Collection method: clinical testing. Allele origin: germline. Affected: yes. Observed: 1 variant allele.
Comment: SHANK3: BP4, BP7